The following is an entry in ClinVar:

ClinVar aggregate classification (germline): Uncertain significance (1 of 4 stars; one submission).

gnomAD v4.1: 3 of 1,544,638 alleles (0.00019%); highest among the groups gnomAD compares: Non-Finnish European, 0.00026%; no homozygotes.

Submission:

Ambry Genetics
Classification: Uncertain significance. Last evaluated: 2024-01-12. Review status: criteria provided, single submitter. Criteria: Ambry Variant Classification Scheme 2023. Collection method: clinical testing. Allele origin: germline.
Comment: The p.D50H variant (also known as c.148G>C), located in coding exon 1 of the EGLN1 gene, results from a G to C substitution at nucleotide position 148. The aspartic acid at codon 50 is replaced by histidine, an amino acid with similar properties. This amino acid position is conserved. In addition, the in silico prediction for this alteration is inconclusive. Since supporting evidence is limited at this time, the clinical significance of this alteration remains unclear.

NM_022051.3(EGLN1):c.148G>C (p.Asp50His)

Gene: EGLN1 (egl-9 family hypoxia inducible factor 1; minus strand). Cytogenetic location: 1q42.2.
Variant type: single nucleotide variant.
Coding change: c.148G>C on transcript NM_022051.3 (MANE Select); coding-DNA position 148, G replaced by C.
Protein change: p.Asp50His; replaces aspartic acid 50 with histidine.
Molecular consequence: missense variant.
Genome position (GRCh38, 1-based): chr1:231,421,741, C>G on the plus strand (G>C on the coding strand, the complement: EGLN1 is on the minus strand). VCF-style: chr1-231421741-C-G. GRCh37 (hg19) VCF-style: chr1-231557487-C-G.
Other names: c.148G>C, p.Asp50His (NM_001377260.1, NM_001377261.1); short protein forms D50H.
Identifiers: ClinVar variation 1773752 (VCV001773752.2), dbSNP rs751382793, ClinGen allele CA345238927.